The following is an entry in ClinVar:

ClinVar aggregate classification (germline): Uncertain significance. Review status: criteria provided, multiple submitters, no conflicts (2 of 4 stars). 2 submissions from 2 submitters: Uncertain significance (2). Last evaluated 2025-08-13.

Conditions:
Inborn genetic diseases. Identifiers: MedGen C0950123, MeSH D030342.

Submissions (2):

Ambry Genetics
Classification: Uncertain significance for Inborn genetic diseases. Last evaluated: 2025-08-13. Review status: criteria provided, single submitter. Criteria: Ambry Variant Classification Scheme 2023. Collection method: clinical testing. Allele origin: germline.
Comment: The c.2026C>T (p.P676S) alteration is located in exon 18 (coding exon 18) of the DNM2 gene. This alteration results from a C to T substitution at nucleotide position 2026, causing the proline (P) at amino acid position 676 to be replaced by a serine (S). This variant was not reported in population-based cohorts in the Genome Aggregation Database (gnomAD). This amino acid position is highly conserved in available vertebrate species. This alteration is predicted to be deleterious by in silico analysis. Based on insufficient or conflicting evidence, the clinical significance of this alteration remains unclear.

Mayo Clinic Laboratories, Mayo Clinic
Classification: Uncertain significance. Last evaluated: 2025-05-29. Review status: criteria provided, single submitter. Criteria: ACMG Guidelines, 2015. Collection method: clinical testing. Allele origin: germline. Observed: 2 variant alleles.
Comment: PP2, PP3_moderate, PM2_supporting

Literature cited by the submitters: PubMed 32419263 (cited by Mayo Clinic Laboratories, Mayo Clinic).

NM_001005361.3(DNM2):c.2026C>T (p.Pro676Ser)

Gene: DNM2 (dynamin 2; plus strand). Cytogenetic location: 19p13.2.
Variant type: single nucleotide variant.
Coding change: c.2026C>T on transcript NM_001005361.3 (MANE Select); coding-DNA position 2026, C replaced by T.
Protein change: p.Pro676Ser; replaces proline 676 with serine.
Molecular consequence: missense variant.
Genome position (GRCh38, 1-based): chr19:10,825,189, C>T. VCF-style: chr19-10825189-C-T. GRCh37 (hg19) VCF-style: chr19-10935865-C-T.
Other names: p.Pro676Ser; c.2026C>T, p.Pro676Ser (NM_001005360.3, NM_001190716.2); c.2014C>T, p.Pro672Ser (NM_001005362.3, NM_004945.4); short protein forms P672S, P676S.
Identifiers: ClinVar variation 1693734 (VCV001693734.6), dbSNP rs2146188234, ClinGen allele CA404041689.
Genomic context (GRCh38, chr19:10,825,189, plus strand): 5'-ATTCGCAACCTGGTGGACTCATACGTGGCCATCATCAACAAGTCCATCCGCGACCTCATG[C>T]CAAAGACCATCATGCACCTCATGATCAACAATGTGAGTGGAGAACTAAAAATGAGAAGGA-3'
Protein context (NP_001005361.1, residues 666-686): IINKSIRDLM[Pro676Ser]KTIMHLMINN